The following is an entry in ClinVar:

ClinVar aggregate classification (germline): Conflicting classifications of pathogenicity. Review status: criteria provided, conflicting classifications (1 of 4 stars). 2 submissions from 2 submitters: Uncertain significance (1); Likely benign (1). Last evaluated 2025-09-29.

Conditions:
Inborn genetic diseases. Identifiers: MedGen C0950123, MeSH D030342.

gnomAD v4.1: 1 of 1,611,608 alleles (0.000062%); no homozygotes.

Submissions (2):

Ambry Genetics
Classification: Uncertain significance for Inborn genetic diseases. Last evaluated: 2025-09-29. Review status: criteria provided, single submitter. Criteria: Ambry Variant Classification Scheme 2023. Collection method: clinical testing. Allele origin: germline.
Comment: The c.1922C>G (p.P641R) alteration is located in exon 20 (coding exon 20) of the COL11A1 gene. This alteration results from a C to G substitution at nucleotide position 1922, causing the proline (P) at amino acid position 641 to be replaced by an arginine (R). Based on data from gnomAD, the G allele has an overall frequency of <0.001% (1/250884) total alleles studied. The highest observed frequency was <0.001% (/) of alleles. Based on insufficient or conflicting evidence, the clinical significance of this alteration remains unclear.

Labcorp Genetics (formerly Invitae), Labcorp
Classification: Likely benign. Last evaluated: 2025-02-03. Review status: criteria provided, single submitter. Criteria: Invitae Variant Classification Sherloc (09022015). Collection method: clinical testing. Allele origin: germline.

NM_001854.4(COL11A1):c.1922C>G (p.Pro641Arg)

Gene: COL11A1 (collagen type XI alpha 1 chain; minus strand). Cytogenetic location: 1p21.1.
Variant type: single nucleotide variant.
Coding change: c.1922C>G on transcript NM_001854.4 (MANE Select); coding-DNA position 1922, C replaced by G.
Protein change: p.Pro641Arg; replaces proline 641 with arginine.
Molecular consequence: missense variant. On other transcripts: non-coding transcript variant (1).
Genome position (GRCh38, 1-based): chr1:103,004,466, G>C on the plus strand (C>G on the coding strand, the complement: COL11A1 is on the minus strand). VCF-style: chr1-103004466-G-C. GRCh37 (hg19) VCF-style: chr1-103470022-G-C.
Other names: c.1574C>G, p.Pro525Arg (NM_001168249.1, NM_080630.4); c.1805C>G, p.Pro602Arg (NM_001190709.2); c.1958C>G, p.Pro653Arg (NM_080629.3); c.1922C>G (NM_001854.3); short protein forms P525R, P602R, P641R, P653R.
Identifiers: ClinVar variation 2824113 (VCV002824113.4), dbSNP rs888296694, ClinGen allele CA27730606.